The following is an entry in ClinVar:

ClinVar aggregate classification (germline): Uncertain significance (1 of 4 stars; one submission).

Conditions:
Immunodeficiency 51 (IMD51). Also called: CANDIDIASIS, FAMILIAL, 5. Identifiers: Orphanet 1334, MedGen C4310803, MONDO:0013500, OMIM 613953.

Allele frequency attached by ClinVar (database versions not stated): TOPMed below 0.00001; ExAC 0.00001; gnomAD 0.00001; gnomAD exomes 0.00001.

Submission:

Labcorp Genetics (formerly Invitae), Labcorp
Classification: Uncertain significance for Immunodeficiency 51. Last evaluated: 2020-11-19. Review status: criteria provided, single submitter. Criteria: Invitae Variant Classification Sherloc (09022015). Collection method: clinical testing. Allele origin: germline.
Comment: This sequence change replaces glutamine with arginine at codon 231 of the IL17RA protein (p.Gln231Arg). The glutamine residue is moderately conserved and there is a small physicochemical difference between glutamine and arginine. This variant is present in population databases (rs750935138, ExAC 0.001%). This variant has not been reported in the literature in individuals with IL17RA-related conditions. Algorithms developed to predict the effect of missense changes on protein structure and function are either unavailable or do not agree on the potential impact of this missense change (SIFT: "Tolerated"; PolyPhen-2: "Possibly Damaging"; Align-GVGD: "Class C0"). In summary, the available evidence is currently insufficient to determine the role of this variant in disease. Therefore, it has been classified as a Variant of Uncertain Significance.

NM_014339.7(IL17RA):c.692A>G (p.Gln231Arg)

Gene: IL17RA (interleukin 17 receptor A; plus strand). Cytogenetic location: 22q11.1.
Variant type: single nucleotide variant.
Coding change: c.692A>G on transcript NM_014339.7 (MANE Select); coding-DNA position 692, A replaced by G.
Protein change: p.Gln231Arg; replaces glutamine 231 with arginine.
Molecular consequence: missense variant.
Genome position (GRCh38, 1-based): chr22:17,102,232, A>G. VCF-style: chr22-17102232-A-G. GRCh37 (hg19) VCF-style: chr22-17583122-A-G.
Other names: c.692A>G, p.Gln231Arg (NM_001289905.2); short protein forms Q231R.
Identifiers: ClinVar variation 1468289 (VCV001468289.8), dbSNP rs750935138, ClinGen allele CA10086455.